The following is an entry in ClinVar:

ClinVar aggregate classification (germline): Uncertain significance (1 of 4 stars; one submission).

Conditions:
Cardiovascular phenotype. Identifiers: MedGen CN230736.

Submission:

Ambry Genetics
Classification: Uncertain significance for Cardiovascular phenotype. Last evaluated: 2023-02-23. Review status: criteria provided, single submitter. Criteria: Ambry Variant Classification Scheme 2023. Collection method: clinical testing. Allele origin: germline.
Comment: The p.V807L variant (also known as c.2419G>T), located in coding exon 18 of the MYH6 gene, results from a G to T substitution at nucleotide position 2419. The valine at codon 807 is replaced by leucine, an amino acid with highly similar properties. This amino acid position is conserved. In addition, this alteration is predicted to be tolerated by in silico analysis. Since supporting evidence is limited at this time, the clinical significance of this alteration remains unclear.

NM_002471.4(MYH6):c.2419G>T (p.Val807Leu)

Gene: MYH6 (myosin heavy chain 6; minus strand). Cytogenetic location: 14q11.2.
Variant type: single nucleotide variant.
Coding change: c.2419G>T on transcript NM_002471.4 (MANE Select); coding-DNA position 2419, G replaced by T.
Protein change: p.Val807Leu; replaces valine 807 with leucine.
Molecular consequence: missense variant.
Genome position (GRCh38, 1-based): chr14:23,396,294, C>A on the plus strand (G>T on the coding strand, the complement: MYH6 is on the minus strand). VCF-style: chr14-23396294-C-A. GRCh37 (hg19) VCF-style: chr14-23865503-C-A.
Other names: short protein forms V807L.
Identifiers: ClinVar variation 2452929 (VCV002452929.2), dbSNP rs2502177238, ClinGen allele CA389016048.
Genomic context (GRCh38, chr14:23,396,294, plus strand): 5'-GATCTGCCTCTACATCTCTAGTGCATGCCTCCCTTTTCCTCCTGTCTCACCTGCGTTCCA[C>A]TATCTTCTTGAACTCAATGCGCATGAGCTGGCCCCGGGCTTGGGCCTGCATGCGCGTGAT-3'
Protein context (NP_002462.2, residues 797-817): QLMRIEFKKI[Val807Leu]ERRDALLVIQ